The following is an entry in ClinVar:

NM_000222.3(KIT):c.2614G>A (p.Gly872Arg)

Gene: KIT (KIT proto-oncogene, receptor tyrosine kinase; plus strand). Cytogenetic location: 4q12.
Variant type: single nucleotide variant.
Coding change: c.2614G>A on transcript NM_000222.3 (MANE Select); coding-DNA position 2614, G replaced by A.
Protein change: p.Gly872Arg; replaces glycine 872 with arginine.
Molecular consequence: missense variant.
Genome position (GRCh38, 1-based): chr4:54,736,738, G>A. VCF-style: chr4-54736738-G-A. GRCh37 (hg19) VCF-style: chr4-55602904-G-A.
Other names: c.2602G>A, p.Gly868Arg (NM_001093772.2, NM_001385292.1); c.2617G>A, p.Gly873Arg (NM_001385284.1); c.2611G>A, p.Gly871Arg (NM_001385285.1); c.2599G>A, p.Gly867Arg (NM_001385286.1); c.2605G>A, p.Gly869Arg (NM_001385288.1); c.2614G>A, p.Gly872Arg (NM_001385290.1); short protein forms G867R, G868R, G869R, G871R, G872R, G873R.
Identifiers: ClinVar variation 4858926 (VCV004858926.1).

ClinVar aggregate classification (germline): Uncertain significance (1 of 4 stars; one submission).

Conditions:
Hereditary cancer-predisposing syndrome. Also called: Neoplastic Syndromes, Hereditary; Tumor predisposition; Hereditary Cancer Syndrome; Hereditary neoplastic syndrome. Identifiers: Orphanet 140162, MedGen C0027672, MeSH D009386, MONDO:0015356.

Submission:

Ambry Genetics
Classification: Uncertain significance for Hereditary cancer-predisposing syndrome. Last evaluated: 2026-03-23. Review status: criteria provided, single submitter. Criteria: Ambry Variant Classification Scheme 2023. Collection method: clinical testing. Allele origin: germline.
Comment: The p.G872R variant (also known as c.2614G>A), located in coding exon 19 of the KIT gene, results from a G to A substitution at nucleotide position 2614. The glycine at codon 872 is replaced by arginine, an amino acid with dissimilar properties. This amino acid position is well conserved in available vertebrate species. In addition, the in silico prediction for this alteration is inconclusive. Based on the available evidence, the clinical significance of this variant remains unclear.